The following is an entry in ClinVar:

ClinVar aggregate classification (germline): Benign. Review status: criteria provided, multiple submitters, no conflicts (2 of 4 stars). 2 submissions from 2 submitters: Benign (2). Last evaluated 2018-01-13.

Conditions:
Mitochondrial complex I deficiency, nuclear type 1. Also called: NADH-COENZYME Q REDUCTASE DEFICIENCY; MITOCHONDRIAL NADH DEHYDROGENASE COMPONENT OF COMPLEX I, DEFICIENCY OF. Identifiers: MedGen C6022305, MONDO:0100224, OMIM 252010.

Allele frequency attached by ClinVar (database versions not stated): gnomAD 0.45182 and 0.45711; TOPMed 0.46249; 1000 Genomes Project 0.49760; 1000 Genomes Project 30x 0.50375.

Submissions (2):

Illumina Laboratory Services, Illumina
Classification: Benign for Mitochondrial complex I deficiency, nuclear type 1. Last evaluated: 2018-01-13. Review status: criteria provided, single submitter. Criteria: ICSL Variant Classification Criteria 13 December 2019. Collection method: clinical testing. Allele origin: germline.
Comment: This variant was observed in the ICSL laboratory as part of a predisposition screen in an ostensibly healthy population. It had not been previously curated by ICSL or reported in the Human Gene Mutation Database (HGMD: prior to June 1st, 2018), and was therefore a candidate for classification through an automated scoring system. Utilizing variant allele frequency, disease prevalence and penetrance estimates, and inheritance mode, an automated score was calculated to assess if this variant is too frequent to cause the disease. Based on the score and internal cut-off values, a variant classified as benign is not then subjected to further curation. The score for this variant resulted in a classification of benign for this disease.

Breakthrough Genomics
Classification: Benign. Review status: criteria provided, single submitter. Criteria: ACMG Guidelines, 2015. Collection method: not provided. Allele origin: germline. Inheritance: Autosomal recessive inheritance. Affected: yes.

NM_025152.3(NUBPL):c.*1874A>G

Gene: NUBPL (NUBP iron-sulfur cluster assembly factor, mitochondrial; plus strand). Cytogenetic location: 14q12.
Variant type: single nucleotide variant.
Coding change: c.*1874A>G on transcript NM_025152.3 (MANE Select); 1874 bases downstream of the stop codon, A replaced by G.
Molecular consequence: 3 prime UTR variant. On other transcripts: non-coding transcript variant (1).
Genome position (GRCh38, 1-based): chr14:31,861,054, A>G. VCF-style: chr14-31861054-A-G. GRCh37 (hg19) VCF-style: chr14-32330260-A-G.
Other names: c.*1874A>G (NM_001201573.2, NM_001201574.2).
Identifiers: ClinVar variation 313072 (VCV000313072.6), dbSNP rs10348, ClinGen allele CA10640103.